The following is an entry in ClinVar:

NM_004068.4(AP2M1):c.75-4T>C

Gene: AP2M1 (adaptor related protein complex 2 subunit mu 1; plus strand). Cytogenetic location: 3q27.1.
Variant type: single nucleotide variant.
Coding change: c.75-4T>C on transcript NM_004068.4 (MANE Select); 4 bases into the intron before coding-DNA position 75, T replaced by C.
Molecular consequence: intron variant.
Genome position (GRCh38, 1-based): chr3:184,178,853, T>C. VCF-style: chr3-184178853-T-C. GRCh37 (hg19) VCF-style: chr3-183896641-T-C.
Other names: p.?; c.150-4T>C (NM_001311198.1, NM_001311198.2); c.75-4T>C (NM_001025205.2).
Identifiers: ClinVar variation 1610043 (VCV001610043.15), dbSNP rs2231216, ClinGen allele CA2727657.
Genomic context (GRCh38, chr3:184,178,853, plus strand): 5'-TTGATCCTTATGGGGTAAGGTTCACCTGGGTGCTGAGCAGGCCCTATGCACTCTTTTCCC[T>C]CAGGAGGAACGCAGTGGATGCCTTTCGGGTCAATGTTATCCATGCCCGGCAGCAGGTGCG-3'

ClinVar aggregate classification (germline): Benign. Review status: criteria provided, multiple submitters, no conflicts (2 of 4 stars). 6 submissions from 6 submitters: Benign (5). 1 of the submissions does not count toward it. Last evaluated 2026-02-04.

Conditions:
Intellectual developmental disorder 60 with seizures. Also called: MENTAL RETARDATION, AUTOSOMAL DOMINANT 60, WITH SEIZURES; INTELLECTUAL DEVELOPMENTAL DISORDER, AUTOSOMAL DOMINANT 60, WITH SEIZURES. Identifiers: MedGen C5231497, MONDO:0032823, OMIM 618587.
AP2M1-related disorder. Also called: AP2M1-related condition.

Allele frequency attached by ClinVar (database versions not stated): gnomAD exomes 0.46311 and 0.48803; gnomAD 0.41109 and 0.40359; ExAC 0.46726; 1000 Genomes Project 0.41933; TOPMed 0.39326; ESP Exome Variant Server 0.39971; 1000 Genomes Project 30x 0.40974.
gnomAD v4.1: 774,335 of 1,612,810 alleles (48%); highest among the groups gnomAD compares: East Asian, 58%; 189,975 homozygotes.

Submissions (6):

Labcorp Genetics (formerly Invitae), Labcorp
Classification: Benign. Last evaluated: 2026-02-04. Review status: criteria provided, single submitter. Criteria: Invitae Variant Classification Sherloc (09022015). Collection method: clinical testing. Allele origin: germline.

Unidad de Genómica Garrahan, Hospital de Pediatría Garrahan
Classification: Benign. Last evaluated: 2024-07-15. Review status: criteria provided, single submitter. Criteria: ACMG Guidelines, 2015. Collection method: clinical testing. Allele origin: germline. Affected: no. Observed: 50 variant alleles.
Comment: This variant is classified as Benign based on local population frequency. This variant was detected in 54% of patients studied in a panel designed for Epileptic and Developmental Encephalopathy and Progressive Myoclonus Epilepsy. Number of patients: 50. Only high quality variants are reported.

Genome-Nilou Lab
Classification: Benign for Intellectual developmental disorder 60 with seizures. Last evaluated: 2021-12-05. Review status: criteria provided, single submitter. Criteria: ACMG Guidelines, 2015. Collection method: clinical testing. Allele origin: germline. Affected: no.

Mayo Clinic Laboratories, Mayo Clinic
Classification: Benign. Last evaluated: 2021-11-29. Review status: criteria provided, single submitter. Criteria: ACMG Guidelines, 2015. Collection method: clinical testing. Allele origin: germline. Observed: 162 variant alleles.

Breakthrough Genomics
Classification: Benign. Review status: criteria provided, single submitter. Criteria: ACMG Guidelines, 2015. Collection method: not provided. Allele origin: germline. Inheritance: Autosomal dominant inheritance. Affected: yes.

PreventionGenetics, part of Exact Sciences
Classification: Benign for AP2M1-related condition. Last evaluated: 2019-10-30. Review status: no assertion criteria provided. Collection method: clinical testing. Allele origin: germline. Not counted in ClinVar's aggregate classification.
Comment: This variant is classified as benign based on ACMG/AMP sequence variant interpretation guidelines (Richards et al. 2015 PMID: 25741868, with internal and published modifications).